The following is an entry in ClinVar:

ClinVar aggregate classification (germline): Uncertain significance (1 of 4 stars; one submission).

Conditions:
Very long chain acyl-CoA dehydrogenase deficiency (ACADVLD). Also called: VLCAD Deficiency; Very Long-Chain Acyl-Coenzyme A Dehydrogenase Deficiency. Identifiers: Orphanet 26793, MedGen C3887523, MONDO:0008723, OMIM 201475.

Allele frequency attached by ClinVar (database versions not stated): gnomAD exomes 0.00001.
gnomAD v4.1: 4 of 1,613,840 alleles (0.00025%); highest among the groups gnomAD compares: Non-Finnish European, 0.00034%; no homozygotes.

Submission:

Labcorp Genetics (formerly Invitae), Labcorp
Classification: Uncertain significance for Very long chain acyl-CoA dehydrogenase deficiency. Last evaluated: 2021-05-03. Review status: criteria provided, single submitter. Criteria: Invitae Variant Classification Sherloc (09022015). Collection method: clinical testing. Allele origin: germline.
Comment: This sequence change falls in intron 15 of the ACADVL gene. It does not directly change the encoded amino acid sequence of the ACADVL protein. It affects a nucleotide within the consensus splice site of the intron. This variant is not present in population databases (ExAC no frequency). This variant has not been reported in the literature in individuals with ACADVL-related conditions. Nucleotide substitutions within the consensus splice site are a relatively common cause of aberrant splicing (PMID: 17576681, 9536098). Algorithms developed to predict the effect of sequence changes on RNA splicing suggest that this variant may disrupt the consensus splice site, but this prediction has not been confirmed by published transcriptional studies. In summary, the available evidence is currently insufficient to determine the role of this variant in disease. Therefore, it has been classified as a Variant of Uncertain Significance.

Literature cited by the submitters: PubMed 17576681; PubMed 9536098.

NM_000018.4(ACADVL):c.1533-3C>A

Gene: ACADVL (acyl-CoA dehydrogenase very long chain; plus strand). Cytogenetic location: 17p13.1.
Variant type: single nucleotide variant.
Coding change: c.1533-3C>A on transcript NM_000018.4 (MANE Select); 3 bases into the intron before coding-DNA position 1533, C replaced by A.
Molecular consequence: intron variant.
Genome position (GRCh38, 1-based): chr17:7,224,318, C>A. VCF-style: chr17-7224318-C-A. GRCh37 (hg19) VCF-style: chr17-7127637-C-A.
Other names: c.1467-3C>A (NM_001033859.3); c.1602-3C>A (NM_001270447.2); c.1305-3C>A (NM_001270448.2).
Identifiers: ClinVar variation 1490620 (VCV001490620.3), dbSNP rs1486836969, ClinGen allele CA624860730.